The following is an entry in ClinVar:

ClinVar aggregate classification (germline): Uncertain significance. Review status: criteria provided, multiple submitters, no conflicts (2 of 4 stars). 3 submissions from 3 submitters: Uncertain significance (3). Last evaluated 2025-12-18.

Conditions:
Familial thoracic aortic aneurysm and aortic dissection (TAAD). Also called: Thoracic aortic aneurysms and dissections. Identifiers: Orphanet 91387, MedGen C4707243, MONDO:0019625.
Aortic aneurysm, familial thoracic 4 (AAT4). Also called: AORTIC ANEURYSM/AORTIC DISSECTION AND PATENT DUCTUS ARTERIOSUS. Identifiers: MedGen C1851504, MONDO:0007568, OMIM 132900.

Submissions (3):

Color Diagnostics, LLC DBA Color Health
Classification: Uncertain significance for Familial thoracic aortic aneurysm and aortic dissection. Last evaluated: 2025-12-18. Review status: criteria provided, single submitter. Criteria: ACMG Guidelines, 2015. Collection method: clinical testing. Allele origin: germline.
Comment: This variant causes a deletion of lysine at codon 1789 of the MYH11 protein. To our knowledge, functional studies have not been reported for this variant. This variant has not been reported in individuals affected with MYH11-related disorders in the literature. This variant has been identified in 5/1613102 chromosomes in the general population by the Genome Aggregation Database (gnomAD). The available evidence is insufficient to determine the role of this variant in disease conclusively. Therefore, this variant is classified as a Variant of Uncertain Significance.

All of Us Research Program, National Institutes of Health
Classification: Uncertain significance for Familial thoracic aortic aneurysm and aortic dissection. Last evaluated: 2023-01-10. Review status: criteria provided, single submitter. Criteria: ACMG Guidelines, 2015. Collection method: clinical testing. Allele origin: germline. Inheritance: Autosomal dominant inheritance. Observed: 1 variant allele, 1 heterozygote.
Comment: This variant causes a deletion of lysine at codon 1789 of the MYH11 protein. To our knowledge, functional studies have not been reported for this variant. This variant has not been reported in individuals affected with cardiovascular disorders in the literature. This variant has not been identified in the general population by the Genome Aggregation Database (gnomAD). The available evidence is insufficient to determine the role of this variant in disease conclusively. Therefore, this variant is classified as a Variant of Uncertain Significance.

This study involves interpretation of variants in research participants for the purpose of population health screening. Participant phenotype was not available at the time of variant classification. Additional details can be found in publication PMID: 35346344, PMCID: PMC8962531

MGZ Medical Genetics Center
Classification: Uncertain significance for Aortic aneurysm, familial thoracic 4. Last evaluated: 2022-08-04. Review status: criteria provided, single submitter. Criteria: ACMG Guidelines, 2015. Collection method: clinical testing. Allele origin: germline. Affected: yes. Observed: 1 variant allele.
Comment: ACMG criteria applied: PM4, PM2_SUP

NM_002474.3(MYH11):c.5343GAA[1] (p.Lys1782del)

Genes: NDE1 (nudE neurodevelopment protein 1; plus strand), MYH11 (myosin heavy chain 11; minus strand). Cytogenetic location: 16p13.11.
Variant type: Microsatellite.
Coding change: c.5343GAA[1] on transcript NM_002474.3 (MANE Select); one copy of the 3-base unit GAA starting at c.5343; the reference has two copies in a row; one copy, 3 bases deleted; also written c.5346_5348del.
Protein change: p.Lys1782del; deletes lysine 1782.
Molecular consequence: inframe deletion. On other transcripts: intron variant (2).
Genome position (GRCh38, 1-based): chr16:15,717,296-15,717,298, TTC deleted on the plus strand (GAA on the coding strand, the reverse complement: MYH11 is on the minus strand); deleting any 3 consecutive bases within chr16:15,717,296-15,717,302 gives the same sequence; the position shown is the placement nearest the transcript's 3' end. VCF-style (leftmost placement, unchanged base first): chr16-15717295-ATTC-A. GRCh37 (hg19) VCF-style: chr16-15811152-ATTC-A.
Other names: c.5346_5348del (NM_002474.3); c.5367_5369del (NM_001040113.2); c.5364GAA[1], p.Lys1789del (NM_001040113.2, NM_001040114.2); c.5343GAA[1], p.Lys1782del (NM_022844.3); c.948-6891_948-6889del (NM_001143979.2, NM_017668.3); short protein forms K1782del, K1789del.
Identifiers: ClinVar variation 1171450 (VCV001171450.8), dbSNP rs2151198418, ClinGen allele CA2580613537.